The following is an entry in ClinVar:

NM_007259.5(VPS45):c.1190G>A (p.Arg397Gln)

Gene: VPS45 (vacuolar protein sorting 45 homolog; plus strand). Cytogenetic location: 1q21.2.
Variant type: single nucleotide variant.
Coding change: c.1190G>A on transcript NM_007259.5 (MANE Select); coding-DNA position 1190, G replaced by A.
Protein change: p.Arg397Gln; replaces arginine 397 with glutamine.
Molecular consequence: missense variant. On other transcripts: non-coding transcript variant (1).
Genome position (GRCh38, 1-based): chr1:150,092,022, G>A. VCF-style: chr1-150092022-G-A. GRCh37 (hg19) VCF-style: chr1-150064116-G-A.
Other names: c.1190G>A (NM_007259.3); c.875G>A, p.Arg292Gln (NM_001279353.2); c.1082G>A, p.Arg361Gln (NM_001279354.2); short protein forms R361Q, R397Q, R292Q.
Identifiers: ClinVar variation 665526 (VCV000665526.11), dbSNP rs373735080, ClinGen allele CA1073332.
Genomic context (GRCh38, chr1:150,092,022, plus strand): 5'-CCAAAGTGACAGAGTTTGATGCTGCCCGCCTGGTGATGCTTTATGCTTTACATTATGAGC[G>A]ACACAGCAGCAATAGCCTGCCAGGACTAATGATGGACCTCAGGAATAAAGGTGTTTCTGA-3'
Protein context (NP_009190.2, residues 387-407): LVMLYALHYE[Arg397Gln]HSSNSLPGLM

ClinVar aggregate classification (germline): Uncertain significance. Review status: criteria provided, multiple submitters, no conflicts (2 of 4 stars). 5 submissions from 5 submitters: Uncertain significance (4). 1 of the submissions does not count toward it. Last evaluated 2025-09-17.

Conditions:
Congenital neutropenia-myelofibrosis-nephromegaly syndrome. Also called: Severe congenital neutropenia 5, autosomal recessive. Identifiers: Orphanet 369852, MedGen C3809031, MONDO:0014118, OMIM 615285.
Inborn genetic diseases. Identifiers: MedGen C0950123, MeSH D030342.

Allele frequency attached by ClinVar (database versions not stated): gnomAD exomes 0.00005 and 0.00010; TOPMed 0.00005; ESP Exome Variant Server 0.00008; ExAC 0.00010.
gnomAD v4.1: 79 of 1,613,946 alleles (0.0049%); highest among the groups gnomAD compares: Middle Eastern, 0.033%; no homozygotes.

Submissions (5):

Labcorp Genetics (formerly Invitae), Labcorp
Classification: Uncertain significance for Congenital neutropenia-myelofibrosis-nephromegaly syndrome. Last evaluated: 2025-09-17. Review status: criteria provided, single submitter. Criteria: Invitae Variant Classification Sherloc (09022015). Collection method: clinical testing. Allele origin: germline.
Comment: This sequence change replaces arginine, which is basic and polar, with glutamine, which is neutral and polar, at codon 397 of the VPS45 protein (p.Arg397Gln). This variant is present in population databases (rs373735080, gnomAD 0.04%). This variant has not been reported in the literature in individuals affected with VPS45-related conditions. ClinVar contains an entry for this variant (Variation ID: 665526). Invitae Evidence Modeling of protein sequence and biophysical properties (such as structural, functional, and spatial information, amino acid conservation, physicochemical variation, residue mobility, and thermodynamic stability) indicates that this missense variant is not expected to disrupt VPS45 protein function with a negative predictive value of 80%. In summary, the available evidence is currently insufficient to determine the role of this variant in disease. Therefore, it has been classified as a Variant of Uncertain Significance.

Blueprint Genetics
Classification: Uncertain significance. Last evaluated: 2023-11-17. Review status: criteria provided, single submitter. Criteria: ACMG Guidelines, 2015. Collection method: clinical testing. Allele origin: germline.

Ambry Genetics
Classification: Uncertain significance for Inborn genetic diseases. Last evaluated: 2023-07-11. Review status: criteria provided, single submitter. Criteria: Ambry Variant Classification Scheme 2023. Collection method: clinical testing. Allele origin: germline.

Mayo Clinic Laboratories, Mayo Clinic
Classification: Uncertain significance. Last evaluated: 2020-03-31. Review status: criteria provided, single submitter. Criteria: ACMG Guidelines, 2015. Collection method: clinical testing. Allele origin: germline. Observed: 1 variant allele.

Natera, Inc.
Classification: Uncertain significance for Autosomal recessive severe congenital neutropenia 5. Last evaluated: 2020-09-16. Review status: no assertion criteria provided. Collection method: clinical testing. Allele origin: germline. Not counted in ClinVar's aggregate classification.